The following is an entry in ClinVar:

ClinVar aggregate classification (germline): Uncertain significance (1 of 4 stars; one submission).

Conditions:
Developmental and epileptic encephalopathy, 59. Also called: Early infantile epileptic encephalopathy 59. Identifiers: MedGen C4693550, MONDO:0033368, OMIM 617904.

Submission:

Mendelics
Classification: Uncertain significance for Developmental and epileptic encephalopathy, 59. Last evaluated: 2026-03-05. Review status: criteria provided, single submitter. Criteria: ACMG Guidelines, 2015. Collection method: clinical testing. Allele origin: unknown.
Comment: The available evidence is insufficient to conclusively determine the role of this variant. Therefore, it is classified as a Variant of Uncertain Significance.

NM_005458.8(GABBR2):c.2028G>A (p.Trp676Ter)

Gene: GABBR2 (gamma-aminobutyric acid type B receptor subunit 2; minus strand). Cytogenetic location: 9q22.33.
Variant type: single nucleotide variant.
Coding change: c.2028G>A on transcript NM_005458.8 (MANE Select); coding-DNA position 2028, G replaced by A.
Protein change: p.Trp676Ter; replaces tryptophan 676 with a stop codon.
Molecular consequence: nonsense.
Genome position (GRCh38, 1-based): chr9:98,306,322, C>T on the plus strand (G>A on the coding strand, the complement: GABBR2 is on the minus strand). VCF-style: chr9-98306322-C-T. GRCh37 (hg19) VCF-style: chr9-101068604-C-T.
Other names: short protein forms W676*.
Identifiers: ClinVar variation 4813517 (VCV004813517.1).